The following is an entry in ClinVar:

ClinVar aggregate classification (germline): Benign/Likely benign. Review status: criteria provided, multiple submitters, no conflicts (2 of 4 stars). 9 submissions from 9 submitters: Benign (5); Likely benign (1). 3 of the submissions do not count toward it. Last evaluated 2026-05-09.

Conditions:
Deficiency of iodide peroxidase (TDH2A). Also called: HYPOTHYROIDISM, CONGENITAL, DUE TO DYSHORMONOGENESIS, 2A; IODIDE PEROXIDASE DEFICIENCY; THYROID HORMONOGENESIS, GENETIC DEFECT IN, 2A; THYROID PEROXIDASE DEFICIENCY; Thyroid dyshormonogenesis 2A. Identifiers: Orphanet 95716, MedGen C1291299, MONDO:0010133, OMIM 274500.

Allele frequency attached by ClinVar (database versions not stated): gnomAD 0.41037; ESP Exome Variant Server 0.41304; TOPMed 0.42033; 1000 Genomes Project 30x 0.43645; 1000 Genomes Project 0.43890.
gnomAD v4.1: 659,699 of 1,612,706 alleles (41%); highest among the groups gnomAD compares: South Asian, 50%; 136,110 homozygotes.

Submissions (9):

Women's Health and Genetics/Laboratory Corporation of America, LabCorp
Classification: Benign. Last evaluated: 2026-05-09. Review status: criteria provided, single submitter. Criteria: LabCorp Variant Classification Summary - May 2015. Collection method: clinical testing. Allele origin: germline.

Labcorp Genetics (formerly Invitae), Labcorp
Classification: Benign. Last evaluated: 2026-02-04. Review status: criteria provided, single submitter. Criteria: Invitae Variant Classification Sherloc (09022015). Collection method: clinical testing. Allele origin: germline.

Blueprint Genetics
Classification: Likely benign. Last evaluated: 2024-11-26. Review status: criteria provided, single submitter. Criteria: ACMG Guidelines, 2015. Collection method: clinical testing. Allele origin: germline.

Illumina Laboratory Services, Illumina
Classification: Benign for Deficiency of iodide peroxidase. Last evaluated: 2018-01-12. Review status: criteria provided, single submitter. Criteria: ICSL Variant Classification Criteria 13 December 2019. Collection method: clinical testing. Allele origin: germline.
Comment: This variant was observed in the ICSL laboratory as part of a predisposition screen in an ostensibly healthy population. It had not been previously curated by ICSL or reported in the Human Gene Mutation Database (HGMD: prior to June 1st, 2018), and was therefore a candidate for classification through an automated scoring system. Utilizing variant allele frequency, disease prevalence and penetrance estimates, and inheritance mode, an automated score was calculated to assess if this variant is too frequent to cause the disease. Based on the score and internal cut-off values, a variant classified as benign is not then subjected to further curation. The score for this variant resulted in a classification of benign for this disease.

Breakthrough Genomics
Classification: Benign. Review status: criteria provided, single submitter. Criteria: ACMG Guidelines, 2015. Collection method: not provided. Allele origin: germline. Inheritance: Autosomal recessive inheritance. Affected: yes.

PreventionGenetics, part of Exact Sciences
Classification: Benign. Review status: criteria provided, single submitter. Criteria: ACMG Guidelines, 2015. Collection method: clinical testing. Allele origin: germline.

Clinical Genetics DNA and cytogenetics Diagnostics Lab, Erasmus MC, Erasmus Medical Center
Classification: Benign. Review status: no assertion criteria provided. Collection method: clinical testing. Allele origin: germline. Affected: yes. Study: VKGL Data-share Consensus. Not counted in ClinVar's aggregate classification.

Clinical Genetics, Academic Medical Center
Classification: Benign. Review status: no assertion criteria provided. Collection method: clinical testing. Allele origin: germline. Affected: yes. Study: VKGL Data-share Consensus. Not counted in ClinVar's aggregate classification.

Diagnostic Laboratory, Department of Genetics, University Medical Center Groningen
Classification: Benign for Deficiency of iodide peroxidase. Review status: no assertion criteria provided. Collection method: clinical testing. Allele origin: germline. Affected: yes. Study: VKGL Data-share Consensus. Not counted in ClinVar's aggregate classification.

NM_001206744.2(TPO):c.2145C>T (p.Pro715=)

Genes: LALTOP (lung cancer associated lncRNA targeting TOP2A; minus strand), TPO (thyroid peroxidase; plus strand). Cytogenetic location: 2p25.3.
Variant type: single nucleotide variant.
Coding change: c.2145C>T on transcript NM_001206744.2 (MANE Select); coding-DNA position 2145, C replaced by T.
Protein change: p.Pro715=; no amino-acid change (proline 715 retained).
Molecular consequence: synonymous variant.
Genome position (GRCh38, 1-based): chr2:1,496,127, C>T. VCF-style: chr2-1496127-C-T. GRCh37 (hg19) VCF-style: chr2-1499899-C-T.
Other names: c.2145C>T, p.Pro715= (NM_000547.6, NM_175721.3); c.1974C>T, p.Pro658= (NM_001206745.2, NM_175719.4); c.1626C>T, p.Pro542= (NM_175722.3).
Identifiers: ClinVar variation 256610 (VCV000256610.15), dbSNP rs732608, ClinGen allele CA1511960.